The following is an entry in ClinVar:

NM_000722.4(CACNA2D1):c.1898C>T (p.Ser633Leu)

Gene: CACNA2D1 (calcium voltage-gated channel auxiliary subunit alpha2delta 1; minus strand). Cytogenetic location: 7q21.11.
Variant type: single nucleotide variant.
Coding change: c.1898C>T on transcript NM_000722.4 (MANE Select); coding-DNA position 1898, C replaced by T.
Protein change: p.Ser633Leu; replaces serine 633 with leucine.
Molecular consequence: missense variant.
Genome position (GRCh38, 1-based): chr7:81,982,624, G>A on the plus strand (C>T on the coding strand, the complement: CACNA2D1 is on the minus strand). VCF-style: chr7-81982624-G-A. GRCh37 (hg19) VCF-style: chr7-81611940-G-A.
Other names: c.1934C>T, p.Ser645Leu (NM_001366867.1); short protein forms S633L, S645L.
Identifiers: ClinVar variation 2450735 (VCV002450735.3), dbSNP rs149510838, ClinGen allele CA4317822.
Genomic context (GRCh38, chr7:81,982,624, plus strand): 5'-AACCTTGGTGCTATGAATGTATAGCCAGATTCTTCAAAATTATCTGGCTTCAGGGTTTCC[G>A]AATCTGCAAAGATAATGTTACAGGATTAGATAGGTAATTCAGAGTATATATCCAGAGATT-3'
Protein context (NP_000713.2, residues 623-643): ARSKKGKMKD[Ser633Leu]ETLKPDNFEE

ClinVar aggregate classification (germline): Conflicting classifications of pathogenicity. Review status: criteria provided, conflicting classifications (1 of 4 stars). 2 submissions from 2 submitters: Uncertain significance (1); Likely benign (1). Last evaluated 2026-01-14.

Conditions:
Brugada syndrome. Also called: Sudden unexpected nocturnal death syndrome; Sudden unexplained nocturnal death syndrome; Sudden Unexplained Death Syndrome; Sudden Unexplained Nocturnal Death Syndrome (SUNDS). Identifiers: Orphanet 130, MedGen C1142166, MONDO:0015263.
Cardiovascular phenotype. Identifiers: MedGen CN230736.

Allele frequency attached by ClinVar (database versions not stated): ExAC 0.00004; ESP Exome Variant Server 0.00008; gnomAD 0.00004; TOPMed 0.00004.
gnomAD v4.1: 37 of 1,585,658 alleles (0.0023%); highest among the groups gnomAD compares: African/African-American, 0.0081%; no homozygotes.

Submissions (2):

Labcorp Genetics (formerly Invitae), Labcorp
Classification: Uncertain significance for Brugada syndrome. Last evaluated: 2026-01-14. Review status: criteria provided, single submitter. Criteria: Invitae Variant Classification Sherloc (09022015). Collection method: clinical testing. Allele origin: germline.
Comment: This sequence change replaces serine, which is neutral and polar, with leucine, which is neutral and non-polar, at codon 633 of the CACNA2D1 protein (p.Ser633Leu). This variant is present in population databases (rs149510838, gnomAD 0.02%). This variant has not been reported in the literature in individuals affected with CACNA2D1-related conditions. ClinVar contains an entry for this variant (Variation ID: 2450735). Experimental studies and prediction algorithms are not available or were not evaluated, and the functional significance of this variant is currently unknown. In summary, the available evidence is currently insufficient to determine the role of this variant in disease. Therefore, it has been classified as a Variant of Uncertain Significance.

Ambry Genetics
Classification: Likely benign for Cardiovascular phenotype. Last evaluated: 2023-02-12. Review status: criteria provided, single submitter. Criteria: Ambry Variant Classification Scheme 2023. Collection method: clinical testing. Allele origin: germline.